The following is an entry in ClinVar:

ClinVar aggregate classification (germline): Uncertain significance (1 of 4 stars; one submission).

Conditions:
Inborn genetic diseases. Identifiers: MedGen C0950123, MeSH D030342.

Submission:

Ambry Genetics
Classification: Uncertain significance for Inborn genetic diseases. Last evaluated: 2025-05-22. Review status: criteria provided, single submitter. Criteria: Ambry Variant Classification Scheme 2023. Collection method: clinical testing. Allele origin: germline.
Comment: The p.V205G variant (also known as c.614T>G), located in coding exon 4 of the ANKRD26 gene, results from a T to G substitution at nucleotide position 614. The valine at codon 205 is replaced by glycine, an amino acid with dissimilar properties. This amino acid position is conserved. In addition, this alteration is predicted to be tolerated by in silico analysis. Based on the available evidence, the clinical significance of this variant remains unclear.

NM_014915.3(ANKRD26):c.614T>G (p.Val205Gly)

Gene: ANKRD26 (ankyrin repeat domain containing 26; minus strand). Cytogenetic location: 10p12.1.
Variant type: single nucleotide variant.
Coding change: c.614T>G on transcript NM_014915.3 (MANE Select); coding-DNA position 614, T replaced by G.
Protein change: p.Val205Gly; replaces valine 205 with glycine.
Molecular consequence: missense variant.
Genome position (GRCh38, 1-based): chr10:27,092,430, A>C on the plus strand (T>G on the coding strand, the complement: ANKRD26 is on the minus strand). VCF-style: chr10-27092430-A-C. GRCh37 (hg19) VCF-style: chr10-27381359-A-C.
Other names: c.614T>G, p.Val205Gly (NM_001256053.2); short protein forms V205G.
Identifiers: ClinVar variation 3914702 (VCV003914702.1).